The following is an entry in ClinVar:

NM_017947.4(MOCOS):c.2270G>A (p.Ser757Asn)

Gene: MOCOS (molybdenum cofactor sulfurase; plus strand). Cytogenetic location: 18q12.2.
Variant type: single nucleotide variant.
Coding change: c.2270G>A on transcript NM_017947.4 (MANE Select); coding-DNA position 2270, G replaced by A.
Protein change: p.Ser757Asn; replaces serine 757 with asparagine.
Molecular consequence: missense variant.
Genome position (GRCh38, 1-based): chr18:36,257,073, G>A. VCF-style: chr18-36257073-G-A. GRCh37 (hg19) VCF-style: chr18-33837036-G-A.
Other names: short protein forms S757N.
Identifiers: ClinVar variation 2044699 (VCV002044699.4), dbSNP rs146846079, ClinGen allele CA8940996.

ClinVar aggregate classification (germline): Uncertain significance. Review status: criteria provided, multiple submitters, no conflicts (2 of 4 stars). 2 submissions from 2 submitters: Uncertain significance (2). Last evaluated 2024-01-20.

Conditions:
Xanthinuria type II. Also called: Xanthine dehydrogenase and aldehyde oxidase combined deficiency of; XDH and AOX dual deficiency. Identifiers: Orphanet 3467, Orphanet 93602, MedGen C1863688, MONDO:0011346, OMIM 603592.

Allele frequency attached by ClinVar (database versions not stated): gnomAD exomes 0.00003; ExAC 0.00016; gnomAD 0.00031; 1000 Genomes Project 0.00060; ESP Exome Variant Server 0.00062; 1000 Genomes Project 30x 0.00078.
gnomAD v4.1: 90 of 1,611,652 alleles (0.0056%); highest among the groups gnomAD compares: African/African-American, 0.1%; no homozygotes.

Submissions (2):

Fulgent Genetics
Classification: Uncertain significance for Xanthinuria type II. Last evaluated: 2024-01-20. Review status: criteria provided, single submitter. Criteria: ACMG Guidelines, 2015. Collection method: clinical testing. Allele origin: germline.

Labcorp Genetics (formerly Invitae), Labcorp
Classification: Uncertain significance for Xanthinuria type II. Last evaluated: 2022-07-05. Review status: criteria provided, single submitter. Criteria: Invitae Variant Classification Sherloc (09022015). Collection method: clinical testing. Allele origin: germline.
Comment: This sequence change replaces serine, which is neutral and polar, with asparagine, which is neutral and polar, at codon 757 of the MOCOS protein (p.Ser757Asn). This variant also falls at the last nucleotide of exon 12, which is part of the consensus splice site for this exon. This variant is present in population databases (rs146846079, gnomAD 0.1%). This variant has not been reported in the literature in individuals affected with MOCOS-related conditions. Algorithms developed to predict the effect of missense changes on protein structure and function are either unavailable or do not agree on the potential impact of this missense change (SIFT: "Deleterious"; PolyPhen-2: "Possibly Damaging"; Align-GVGD: "Class C0"). Variants that disrupt the consensus splice site are a relatively common cause of aberrant splicing (PMID: 17576681, 9536098). Algorithms developed to predict the effect of sequence changes on RNA splicing suggest that this variant may disrupt the consensus splice site. In summary, the available evidence is currently insufficient to determine the role of this variant in disease. Therefore, it has been classified as a Variant of Uncertain Significance.

Literature cited by the submitters: PubMed 17576681 (cited by Labcorp Genetics (formerly Invitae), Labcorp); PubMed 9536098 (cited by Labcorp Genetics (formerly Invitae), Labcorp).